The following is an entry in ClinVar:

NM_000059.4(BRCA2):c.8131G>A (p.Ala2711Thr)

Gene: BRCA2 (BRCA2 DNA repair associated; plus strand). Cytogenetic location: 13q13.1.
Variant type: single nucleotide variant.
Coding change: c.8131G>A on transcript NM_000059.4 (MANE Select); coding-DNA position 8131, G replaced by A.
Protein change: p.Ala2711Thr; replaces alanine 2711 with threonine.
Molecular consequence: missense variant.
Genome position (GRCh38, 1-based): chr13:32,363,333, G>A. VCF-style: chr13-32363333-G-A. GRCh37 (hg19) VCF-style: chr13-32937470-G-A.
Other names: short protein forms A2711T.
Identifiers: ClinVar variation 409507 (VCV000409507.14), dbSNP rs1060502439, ClinGen allele CA16614369.

ClinVar aggregate classification (germline): Uncertain significance. Review status: criteria provided, multiple submitters, no conflicts (2 of 4 stars). 3 submissions from 3 submitters: Uncertain significance (3). Last evaluated 2021-06-06.

Conditions:
Hereditary breast ovarian cancer syndrome. Also called: Hereditary breast and ovarian cancer; Hereditary breast and/or ovarian cancer syndrome; BRCA1- and BRCA2-Associated Hereditary Breast and Ovarian Cancer; Hereditary breast and ovarian cancer syndrome; Hereditary breast and ovarian cancer syndrome (HBOC); Breast and ovarian cancer. Identifiers: Orphanet 145, MedGen C0677776, MeSH D061325, MONDO:0003582. Disease mechanism: loss of function.
Hereditary cancer-predisposing syndrome. Also called: Tumor predisposition; Hereditary Cancer Syndrome; Hereditary neoplastic syndrome; Neoplastic Syndromes, Hereditary. Identifiers: Orphanet 140162, MedGen C0027672, MeSH D009386, MONDO:0015356.

Submissions (3):

Quest Diagnostics Nichols Institute San Juan Capistrano
Classification: Uncertain significance. Last evaluated: 2021-06-06. Review status: criteria provided, single submitter. Criteria: Quest Diagnostics criteria. Collection method: clinical testing. Allele origin: unknown.

Labcorp Genetics (formerly Invitae), Labcorp
Classification: Uncertain significance for Hereditary breast ovarian cancer syndrome. Last evaluated: 2020-06-06. Review status: criteria provided, single submitter. Criteria: Invitae Variant Classification Sherloc (09022015). Collection method: clinical testing. Allele origin: germline.
Comment: Algorithms developed to predict the effect of missense changes on protein structure and function (SIFT, PolyPhen-2, Align-GVGD) all suggest that this variant is likely to be tolerated, but these predictions have not been confirmed by published functional studies. In summary, this variant is a novel missense change that is not predicted to affect protein function. There is no indication that it causes disease, but the available evidence is currently insufficient to prove that conclusively. Therefore, it has been classified as a Variant of Uncertain Significance. This variant is not present in population databases (ExAC no frequency) and has not been reported in the literature in individuals with a BRCA2-related disease. This sequence change replaces alanine with threonine at codon 2711 of the BRCA2 protein (p.Ala2711Thr). The alanine residue is weakly conserved and there is a small physicochemical difference between alanine and threonine.

Color Diagnostics, LLC DBA Color Health
Classification: Uncertain significance for Hereditary cancer-predisposing syndrome. Last evaluated: 2019-06-01. Review status: criteria provided, single submitter. Criteria: ACMG Guidelines, 2015. Collection method: clinical testing. Allele origin: germline.

Literature cited by the submitters: PubMed 32467295 (cited by Quest Diagnostics Nichols Institute San Juan Capistrano).